The following is an entry in ClinVar:

NM_005188.4(CBL):c.2401G>A (p.Gly801Ser)

Gene: CBL (Cbl proto-oncogene; plus strand). Cytogenetic location: 11q23.3.
Variant type: single nucleotide variant.
Coding change: c.2401G>A on transcript NM_005188.4 (MANE Select); coding-DNA position 2401, G replaced by A.
Protein change: p.Gly801Ser; replaces glycine 801 with serine.
Molecular consequence: missense variant.
Genome position (GRCh38, 1-based): chr11:119,298,507, G>A. VCF-style: chr11-119298507-G-A. GRCh37 (hg19) VCF-style: chr11-119169217-G-A.
Other names: short protein forms G801S.
Identifiers: ClinVar variation 4868259 (VCV004868259.1).

ClinVar aggregate classification (germline): Uncertain significance (1 of 4 stars; one submission).

Conditions:
Cardiovascular phenotype. Identifiers: MedGen CN230736.

Submission:

Ambry Genetics
Classification: Uncertain significance for Cardiovascular phenotype. Last evaluated: 2026-05-14. Review status: criteria provided, single submitter. Criteria: Ambry Variant Classification Scheme 2023. Collection method: clinical testing. Allele origin: germline.
Comment: The p.G801S variant (also known as c.2401G>A), located in coding exon 15 of the CBL gene, results from a G to A substitution at nucleotide position 2401. The glycine at codon 801 is replaced by serine, an amino acid with similar properties. This amino acid position is conserved. In addition, this alteration is predicted to be tolerated by in silico analysis. Based on the available evidence, the clinical significance of this variant remains unclear.